The following is an entry in ClinVar:

NC_012920.1(MT-CO3):m.9670A>G

Gene: MT-CO3 (mitochondrially encoded cytochrome c oxidase III; plus strand).
Variant type: single nucleotide variant.
Genome position: chrM-9670-A-G.
Identifiers: ClinVar variation 693204 (VCV000693204.1), dbSNP rs1556423709, ClinGen allele CA414803451.

ClinVar aggregate classification (germline): Benign (1 of 4 stars; one submission).

Conditions:
Leigh syndrome (NULS). Also called: Leigh's necrotizing encephalopathy; Leigh's disease; Leigh Syndrome (mtDNA deletion); Leigh Disease; Subacute necrotizing encephalopathy; Necrotizing encephalopathy infantile subacute of Leigh. Identifiers: Orphanet 506, MedGen C2931891, MONDO:0009723, OMIM 256000.

Submission:

Wong Mito Lab, Molecular and Human Genetics, Baylor College of Medicine
Classification: Benign for Leigh syndrome. Last evaluated: 2019-10-17. Review status: criteria provided, single submitter. Criteria: Modified ACMG Guidelines (Unpublished). Collection method: clinical testing. Allele origin: germline.
Comment: The NC_012920.1:m.9670A>G (YP_003024032.1:p.Asn155Ser) variant in MTCO3 gene is interpretated to be a Benign variant based on the modified ACMG guidelines (unpublished). This variant meets the following evidence codes: BS1, BS2, BP4